The following is an entry in ClinVar:

NM_001365999.1(SZT2):c.4120G>T (p.Glu1374Ter)

Gene: SZT2 (SZT2 subunit of KICSTOR complex; plus strand). Cytogenetic location: 1p34.2.
Variant type: single nucleotide variant.
Coding change: c.4120G>T on transcript NM_001365999.1 (MANE Select); coding-DNA position 4120, G replaced by T.
Protein change: p.Glu1374Ter; replaces glutamic acid 1374 with a stop codon.
Molecular consequence: nonsense.
Genome position (GRCh38, 1-based): chr1:43,428,440, G>T. VCF-style: chr1-43428440-G-T. GRCh37 (hg19) VCF-style: chr1-43894111-G-T.
Other names: c.3949G>T, p.Glu1317Ter (NM_015284.4); short protein forms E1317*, E1374*.
Identifiers: ClinVar variation 2028854 (VCV002028854.4), dbSNP rs2545822092, ClinGen allele CA340020037.

ClinVar aggregate classification (germline): Pathogenic (1 of 4 stars; one submission).

gnomAD v4.1: 1 of 1,614,160 alleles (0.000062%); highest among the groups gnomAD compares: Non-Finnish European, 0.000085%; no homozygotes.

Submission:

Labcorp Genetics (formerly Invitae), Labcorp
Classification: Pathogenic. Last evaluated: 2022-09-12. Review status: criteria provided, single submitter. Criteria: Invitae Variant Classification Sherloc (09022015). Collection method: clinical testing. Allele origin: germline.
Comment: This sequence change creates a premature translational stop signal (p.Glu1317*) in the SZT2 gene. It is expected to result in an absent or disrupted protein product. Loss-of-function variants in SZT2 are known to be pathogenic (PMID: 23932106, 27248490, 28556953). This variant is not present in population databases (gnomAD no frequency). This variant has not been reported in the literature in individuals affected with SZT2-related conditions. For these reasons, this variant has been classified as Pathogenic.

Literature cited by the submitters: PubMed 23932106; PubMed 27248490; PubMed 28556953.